The following is an entry in ClinVar:

ClinVar aggregate classification (germline): Conflicting classifications of pathogenicity. Review status: criteria provided, conflicting classifications (1 of 4 stars). 3 submissions from 3 submitters: Likely pathogenic (2); Uncertain significance (1). Last evaluated 2026-03-16.

Conditions:
Autosomal recessive congenital ichthyosis 1 (LI1). Also called: COLLODION FETUS; DESQUAMATION OF NEWBORN; ICHTHYOSIS CONGENITA; ICHTHYOSIS CONGENITA II; LAMELLAR EXFOLIATION OF NEWBORN; ICHTHYOSIS, CONGENITAL, AUTOSOMAL RECESSIVE 1, WITH BATHING SUIT DISTRIBUTION. Identifiers: MedGen C4551630, MONDO:0009441, OMIM 242300.

Allele frequency attached by ClinVar (database versions not stated): TOPMed below 0.00001; gnomAD 0.00001.
gnomAD v4.1: 1 of 1,613,954 alleles (0.000062%); highest among the groups gnomAD compares: African/African-American, 0.0013%; no homozygotes.

Submissions (3):

Myriad Genetics, Inc.
Classification: Uncertain significance for Autosomal recessive congenital ichthyosis 1. Last evaluated: 2026-03-16. Review status: criteria provided, single submitter. Criteria: Myriad Autosomal Dominant, Autosomal Recessive and X-Linked Classification Criteria (2023). Collection method: clinical testing. Allele origin: unknown.
Comment: NM_000359.2(TGM1):c.2316C>A(S772R) is a missense variant classified as a variant of uncertain significance in the context of TGM1-related autosomal recessive congenital ichthyosis. S772R has been observed in a case with relevant disease (PMID: 28403434). Relevant functional assessments of this variant are not available in the literature. S772R has not been observed in referenced population frequency databases. In summary, there is insufficient evidence to classify NM_000359.2(TGM1):c.2316C>A(S772R) as pathogenic or benign. Please note: this variant was assessed in the context of healthy population screening.

Natera, Inc.
Classification: Likely pathogenic for Autosomal recessive congenital ichthyosis type 1. Last evaluated: 2025-03-29. Review status: criteria provided, single submitter. Criteria: Natera Variant Classification Schema (03/2026). Collection method: clinical testing. Allele origin: germline.
Comment: The c.2316C>A variant in TGM1 is a missense variant predicted to cause substitution of serine to arginine at amino acid 772. This variant is rare in the general population with a frequency below the threshold expected for the associated phenotype(s). This variant has been observed in one or more individuals affected with the associated recessive disease, as either homozygous or compound heterozygous with a second variant (PMID: 28403434). Additionally, this variant has been observed to segregate in affected family members (PMID: 28403434). Computational prediction algorithms indicate this variant is likely to affect gene or protein function. Given the available evidence, this variant is classified as Likely Pathogenic.

GeneDx
Classification: Likely pathogenic. Last evaluated: 2023-09-06. Review status: criteria provided, single submitter. Criteria: GeneDx Variant Classification Process June 2021. Collection method: clinical testing. Allele origin: germline. Affected: yes.
Comment: Not observed at significant frequency in large population cohorts (gnomAD); In silico analysis supports that this missense variant has a deleterious effect on protein structure/function; This variant is associated with the following publications: (PMID: 28403434)

Literature cited by the submitters: PubMed 28403434 (cited by Myriad Genetics, Inc. and Natera, Inc.).

NM_000359.3(TGM1):c.2316C>A (p.Ser772Arg)

Gene: TGM1 (transglutaminase 1; minus strand). Cytogenetic location: 14q12.
Variant type: single nucleotide variant.
Coding change: c.2316C>A on transcript NM_000359.3 (MANE Select); coding-DNA position 2316, C replaced by A.
Protein change: p.Ser772Arg; replaces serine 772 with arginine.
Molecular consequence: missense variant.
Genome position (GRCh38, 1-based): chr14:24,249,451, G>T on the plus strand (C>A on the coding strand, the complement: TGM1 is on the minus strand). VCF-style: chr14-24249451-G-T. GRCh37 (hg19) VCF-style: chr14-24718657-G-T.
Other names: short protein forms S772R.
Identifiers: ClinVar variation 2579539 (VCV002579539.5), dbSNP rs757658720, ClinGen allele CA389241782.